The following is an entry in ClinVar:

ClinVar aggregate classification (germline): Uncertain significance (1 of 4 stars; one submission).

Allele frequency attached by ClinVar (database versions not stated): 1000 Genomes Project 30x 0.00016; TOPMed 0.00021.
gnomAD v4.1: 88 of 1,499,404 alleles (0.0059%); highest among the groups gnomAD compares: African/African-American, 0.1%; no homozygotes.

Submission:

Labcorp Genetics (formerly Invitae), Labcorp
Classification: Uncertain significance. Last evaluated: 2024-11-05. Review status: criteria provided, single submitter. Criteria: Invitae Variant Classification Sherloc (09022015). Collection method: clinical testing. Allele origin: germline.
Comment: This sequence change replaces glutamine, which is neutral and polar, with histidine, which is basic and polar, at codon 44 of the CIB1 protein (p.Gln44His). This variant is present in population databases (no rsID available, gnomAD 0.09%). This variant has not been reported in the literature in individuals affected with CIB1-related conditions. ClinVar contains an entry for this variant (Variation ID: 2172456). An algorithm developed to predict the effect of missense changes on protein structure and function outputs the following: PolyPhen-2: "Not Available". The histidine amino acid residue is found in multiple mammalian species, which suggests that this missense change does not adversely affect protein function. In summary, the available evidence is currently insufficient to determine the role of this variant in disease. Therefore, it has been classified as a Variant of Uncertain Significance.

NM_006384.4(CIB1):c.87-75G>C

Gene: CIB1 (calcium and integrin binding 1; minus strand). Cytogenetic location: 15q26.1.
Variant type: single nucleotide variant.
Coding change: c.87-75G>C on transcript NM_006384.4 (MANE Select); 75 bases into the intron before coding-DNA position 87, G replaced by C.
Molecular consequence: intron variant. On other transcripts: missense variant (1).
Genome position (GRCh38, 1-based): chr15:90,232,402, C>G on the plus strand (G>C on the coding strand, the complement: CIB1 is on the minus strand). VCF-style: chr15-90232402-C-G. GRCh37 (hg19) VCF-style: chr15-90775634-C-G.
Other names: c.132G>C, p.Gln44His (NM_001277764.2); short protein forms Q44H.
Identifiers: ClinVar variation 2172456 (VCV002172456.3), dbSNP rs1010172588, ClinGen allele CA274661070.
Genomic context (GRCh38, chr15:90,232,402, plus strand): 5'-GGAACTGTCGGTGTTCTCAGCGATCGGTCTCCCTGTGTGTTCATTCCCACTCCTTGCCTG[C>G]TGCTCATTGTCAACCAGGTGAGGAGCTAAAACCACGTACACAGAACTTCCGAGTCATCAG-3'